The following is an entry in ClinVar:

NC_000019.9:g.(?_8656664)_(8670595_?)del

Gene: ADAMTS10 (ADAM metallopeptidase with thrombospondin type 1 motif 10; minus strand). Cytogenetic location: 19p13.2.
Variant type: Deletion.
Identifiers: ClinVar variation 1459344 (VCV001459344.4).

ClinVar aggregate classification (germline): Pathogenic (1 of 4 stars; one submission).

Submission:

Labcorp Genetics (formerly Invitae), Labcorp
Classification: Pathogenic. Last evaluated: 2021-05-03. Review status: criteria provided, single submitter. Criteria: Invitae Variant Classification Sherloc (09022015). Collection method: clinical testing. Allele origin: germline.
Comment: For these reasons, this variant has been classified as Pathogenic. This variant has not been reported in the literature in individuals with ADAMTS10-related conditions. This variant is a gross deletion of the genomic region encompassing exon(s) 3-15 of the ADAMTS10 gene, which includes the initiator codon. The 5' end of this event is unknown as it extends beyond the assayed region for this gene and therefore may encompass additional genes. The 3' boundary is likely confined to intron 15 of the ADAMTS10 gene. It is expected to result in an absent or disrupted protein product. Loss-of-function variants in ADAMTS10 are known to be pathogenic (PMID: 15368195, 18567016).

Literature cited by the submitters: PubMed 15368195; PubMed 18567016.